The following is an entry in ClinVar:

NM_133433.4(NIPBL):c.4202T>C (p.Leu1401Pro)

Gene: NIPBL (NIPBL cohesin loading factor; plus strand). Cytogenetic location: 5p13.2.
Variant type: single nucleotide variant.
Coding change: c.4202T>C on transcript NM_133433.4 (MANE Select); coding-DNA position 4202, T replaced by C.
Protein change: p.Leu1401Pro; replaces leucine 1401 with proline.
Molecular consequence: missense variant.
Genome position (GRCh38, 1-based): chr5:37,007,437, T>C. VCF-style: chr5-37007437-T-C. GRCh37 (hg19) VCF-style: chr5-37007539-T-C.
Other names: c.4202T>C, p.Leu1401Pro (NM_001438586.1, NM_015384.5); short protein forms L1401P.
Identifiers: ClinVar variation 4531991 (VCV004531991.1).
Genomic context (GRCh38, chr5:37,007,437, plus strand): 5'-GAGTAATAGTAATGCTTTATAACAAAGTTTGTGACATTGTTAGCAGCTTATCAGAATTGC[T>C]AGAGATACAACTTCTTACAGACACAACAATTCTTCAGGTAAGATTTTTTGGTAAGCATTT-3'
Protein context (NP_597677.2, residues 1391-1411): CDIVSSLSEL[Leu1401Pro]EIQLLTDTTI

ClinVar aggregate classification (germline): Uncertain significance (1 of 4 stars; one submission).

Conditions:
Cornelia de Lange syndrome 1 (CDLS1). Also called: Brachmann de Lange syndrome; NIPBL-Related Cornelia de Lange Syndrome; TYPUS DEGENERATIVUS AMSTELODAMENSIS. Identifiers: Orphanet 199, MedGen C4551851, MONDO:0007387, OMIM 122470.

Submission:

Victorian Clinical Genetics Services, Murdoch Childrens Research Institute
Classification: Uncertain significance for Cornelia de Lange syndrome 1. Last evaluated: 2024-12-16. Review status: criteria provided, single submitter. Criteria: ACMG Guidelines, 2015. Collection method: clinical testing. Allele origin: germline. Affected: yes.
Comment: This variant is classified as VUS-3A. Evidence in support of pathogenic classification: Variant is absent from gnomAD (v2, v3 and v4); Another missense variant comparable to the one identified in this case has limited previous evidence for pathogenicity. p.(Leu1401Arg) has been reported in an individual from a Cornelia de Lange syndrome (CdLS) cohort (PMID: 20824775); Missense variant consistently predicted to be damaging by in silico tool or highly conserved with a major amino acid change. Additional information: Variant is predicted to result in a missense amino acid change from leucine to proline; This variant is heterozygous; This gene is associated with autosomal dominant disease; An alternative amino acid change at the same position has been observed in gnomAD (v4: 1 heterozygote(s), 0 homozygote(s)); This variant has no previous evidence of pathogenicity; No published segregation evidence has been identified for this variant; No published functional evidence has been identified for this variant; Variant is not located in an established domain, motif, hotspot or informative constraint region; Loss of function is a known mechanism of disease in this gene and is associated with Cornelia de Lange syndrome 1 (MIM#122470); Inheritance information for this variant is not currently available in this individual.

Literature cited by the submitters: PubMed 20824775.